The following is an entry in ClinVar:

NM_207361.6(FREM2):c.4829A>G (p.Glu1610Gly)

Gene: FREM2 (FRAS1 related extracellular matrix 2; plus strand). Cytogenetic location: 13q13.3.
Variant type: single nucleotide variant.
Coding change: c.4829A>G on transcript NM_207361.6 (MANE Select); coding-DNA position 4829, A replaced by G.
Protein change: p.Glu1610Gly; replaces glutamic acid 1610 with glycine.
Molecular consequence: missense variant.
Genome position (GRCh38, 1-based): chr13:38,692,173, A>G. VCF-style: chr13-38692173-A-G. GRCh37 (hg19) VCF-style: chr13-39266310-A-G.
Other names: short protein forms E1610G.
Identifiers: ClinVar variation 2200793 (VCV002200793.4), dbSNP rs142108180, ClinGen allele CA6955079.
Genomic context (GRCh38, chr13:38,692,173, plus strand): 5'-TGGTTTTTACCAAGCAAGACTTGAATGAAAACTTAATCAGCTACAAACATGATGGCACTG[A>G]GTCAAGTGAAGATAGCTTCTCCTTCACAGTGACTGATGGCACCCATACAGACTTCTATGT-3'
Protein context (NP_997244.4, residues 1600-1620): NLISYKHDGT[Glu1610Gly]SSEDSFSFTV

ClinVar aggregate classification (germline): Uncertain significance (1 of 4 stars; one submission).

Allele frequency attached by ClinVar (database versions not stated): ExAC 0.00001; gnomAD 0.00001; TOPMed 0.00006; ESP Exome Variant Server 0.00008.
gnomAD v4.1: 7 of 1,614,098 alleles (0.00043%); highest among the groups gnomAD compares: Non-Finnish European, 0.00017%; no homozygotes.

Submission:

Labcorp Genetics (formerly Invitae), Labcorp
Classification: Uncertain significance. Last evaluated: 2022-08-12. Review status: criteria provided, single submitter. Criteria: Invitae Variant Classification Sherloc (09022015). Collection method: clinical testing. Allele origin: germline.
Comment: This sequence change replaces glutamic acid, which is acidic and polar, with glycine, which is neutral and non-polar, at codon 1610 of the FREM2 protein (p.Glu1610Gly). In summary, the available evidence is currently insufficient to determine the role of this variant in disease. Therefore, it has been classified as a Variant of Uncertain Significance. Algorithms developed to predict the effect of missense changes on protein structure and function are either unavailable or do not agree on the potential impact of this missense change (SIFT: "Deleterious"; PolyPhen-2: "Benign"; Align-GVGD: "Class C0"). This variant has not been reported in the literature in individuals affected with FREM2-related conditions. This variant is present in population databases (rs142108180, gnomAD 0.0009%).